The following is an entry in ClinVar:

ClinVar aggregate classification (germline): Uncertain significance (1 of 4 stars; one submission).

Conditions:
Hereditary pheochromocytoma and paraganglioma. Also called: Hereditary paragangliomas and pheochromocytomas; Hereditary Paraganglioma-Pheochromocytoma Syndromes; Hereditary pheochromocytoma-paraganglioma. Identifiers: Orphanet 29072, MedGen C4274332, MONDO:0017366.

Submission:

Labcorp Genetics (formerly Invitae), Labcorp
Classification: Uncertain significance for Hereditary pheochromocytoma and paraganglioma. Last evaluated: 2023-04-17. Review status: criteria provided, single submitter. Criteria: Invitae Variant Classification Sherloc (09022015). Collection method: clinical testing. Allele origin: germline.
Comment: In summary, the available evidence is currently insufficient to determine the role of this variant in disease. Therefore, it has been classified as a Variant of Uncertain Significance. This sequence change affects a donor splice site in intron 3 of the SDHAF2 gene. While this variant is not anticipated to result in nonsense mediated decay, it likely alters RNA splicing and results in a disrupted protein product. This variant is not present in population databases (gnomAD no frequency). This variant has not been reported in the literature in individuals affected with SDHAF2-related conditions. Variants that disrupt the consensus splice site are a relatively common cause of aberrant splicing (PMID: 17576681, 9536098). Studies have shown that disruption of this splice site is associated with altered splicing resulting in unknown protein product impact (Invitae).

Literature cited by the submitters: PubMed 17576681; PubMed 9536098.

NM_017841.4(SDHAF2):c.370+1G>A

Gene: SDHAF2 (succinate dehydrogenase complex assembly factor 2; plus strand). Cytogenetic location: 11q12.2.
Variant type: single nucleotide variant.
Coding change: c.370+1G>A on transcript NM_017841.4 (MANE Select); the canonical splice donor site of the intron after coding-DNA position 370, G replaced by A.
Molecular consequence: splice donor variant.
Genome position (GRCh38, 1-based): chr11:61,438,114, G>A. VCF-style: chr11-61438114-G-A. GRCh37 (hg19) VCF-style: chr11-61205586-G-A.
Identifiers: ClinVar variation 2975054 (VCV002975054.3), dbSNP rs2134893023, ClinGen allele CA380684256.
Genomic context (GRCh38, chr11:61,438,114, plus strand): 5'-TCTATGACCGCCTGATTAACGAGCCTAGTAATGACTGGGATATTTACTACTGGGCCACAG[G>A]TACTGGGTATGATAAGCAGCATAATGTGAAAATAGGACAGTTTAGGCTGATTTGAGTCTA-3'